The following is an entry in ClinVar:

NM_030761.5(WNT4):c.743G>A (p.Arg248His)

Gene: WNT4 (Wnt family member 4; minus strand). Cytogenetic location: 1p36.12.
Variant type: single nucleotide variant.
Coding change: c.743G>A on transcript NM_030761.5 (MANE Select); coding-DNA position 743, G replaced by A.
Protein change: p.Arg248His; replaces arginine 248 with histidine.
Molecular consequence: missense variant.
Genome position (GRCh38, 1-based): chr1:22,120,363, C>T on the plus strand (G>A on the coding strand, the complement: WNT4 is on the minus strand). VCF-style: chr1-22120363-C-T. GRCh37 (hg19) VCF-style: chr1-22446856-C-T.
Other names: c.743G>A (NM_030761.4); short protein forms R248H.
Identifiers: ClinVar variation 3580616 (VCV003580616.2).

ClinVar aggregate classification (germline): Conflicting classifications of pathogenicity. Review status: criteria provided, conflicting classifications (1 of 4 stars). 2 submissions from 2 submitters: Uncertain significance (1); Likely benign (1). Last evaluated 2025-05-07.

Conditions:
WNT4-related disorder. Also called: WNT4-related condition.
SERKAL syndrome (SERKAL). Also called: 46,XX SEX REVERSAL WITH DYSGENESIS OF KIDNEYS, ADRENALS, AND LUNGS. Identifiers: Orphanet 139466, MedGen C2678492, MONDO:0012734, OMIM 611812.
Mullerian aplasia and hyperandrogenism. Also called: MULLERIAN DUCT FAILURE AND HYPERANDROGENISM. Identifiers: Orphanet 247768, MedGen C2675014, MONDO:0008019, OMIM 158330.

gnomAD v4.1: 72 of 1,614,080 alleles (0.0045%); highest among the groups gnomAD compares: South Asian, 0.0055%; no homozygotes.

Submissions (2):

PreventionGenetics, part of Exact Sciences
Classification: Uncertain significance for WNT4-related condition. Last evaluated: 2025-05-07. Review status: criteria provided, single submitter. Criteria: ACMG Guidelines, 2015. Collection method: clinical testing. Allele origin: germline.
Comment: The WNT4 c.743G>A variant is predicted to result in the amino acid substitution p.Arg248His. To our knowledge, this variant has not been reported in the literature. This variant is reported in 0.0080% of alleles in individuals of African descent in gnomAD. At this time, the clinical significance of this variant is uncertain due to the absence of conclusive functional and genetic evidence.

Fulgent Genetics
Classification: Likely benign for Mullerian aplasia and hyperandrogenism; SERKAL syndrome. Last evaluated: 2024-06-18. Review status: criteria provided, single submitter. Criteria: ACMG Guidelines, 2015. Collection method: clinical testing. Allele origin: germline.